The following is an entry in ClinVar:

ClinVar aggregate classification (germline): Likely pathogenic (1 of 4 stars; one submission).

Conditions:
Fanconi anemia (FA). Also called: Fanconi's anemia. Identifiers: Orphanet 84, MedGen C0015625, MeSH D005199, MONDO:0019391.

Submission:

Natera, Inc.
Classification: Likely pathogenic for Fanconi anemia. Last evaluated: 2024-07-05. Review status: criteria provided, single submitter. Criteria: Natera Variant Classification Schema (03/2026). Collection method: clinical testing. Allele origin: germline.
Comment: The c.2787C>A variant in FANCA is a nonsense variant predicted to introduce a stop codon at amino acid 929. This variant is expected to result in nonsense mediated decay, truncation, or a dysfunctional protein product. This variant is rare in the general population with a frequency below the threshold expected for the associated phenotype(s). Given the available evidence, this variant is classified as Likely Pathogenic.

NM_000135.4(FANCA):c.2787C>A (p.Tyr929Ter)

Gene: FANCA (FA complementation group A; minus strand). Cytogenetic location: 16q24.3.
Variant type: single nucleotide variant.
Coding change: c.2787C>A on transcript NM_000135.4 (MANE Select); coding-DNA position 2787, C replaced by A.
Protein change: p.Tyr929Ter; replaces tyrosine 929 with a stop codon.
Molecular consequence: nonsense.
Genome position (GRCh38, 1-based): chr16:89,762,014, G>T on the plus strand (C>A on the coding strand, the complement: FANCA is on the minus strand). VCF-style: chr16-89762014-G-T. GRCh37 (hg19) VCF-style: chr16-89828422-G-T.
Other names: c.2787C>A, p.Tyr929Ter (NM_001286167.3); short protein forms Y929*.
Identifiers: ClinVar variation 4817523 (VCV004817523.1).